The following is an entry in ClinVar:

NM_000044.6(AR):c.171GCA[29] (p.Gln75_Gln80dup)

Genes: AR (androgen receptor; plus strand), LOC109504725 (androgen receptor repeat instability region; plus strand). Cytogenetic location: Xq12.
Variant type: Microsatellite.
Coding change: c.171GCA[29] on transcript NM_000044.6 (MANE Select); 29 copies in a row of the 3-base unit GCA starting at c.171; the reference has 23 copies in a row; six copies, 18 bases duplicated.
Protein change: p.Gln75_Gln80dup.
Molecular consequence: inframe insertion. On other transcripts: 5 prime UTR variant (1).
Genome position (GRCh38, 1-based): chrX:67,545,368-67,545,385, GCAGCAGCAGCAGCAGCA duplicated; duplicating any 18 consecutive bases within chrX:67,545,317-67,545,385 gives the same sequence; the position shown is the placement nearest the transcript's 3' end. VCF-style (leftmost placement, unchanged base first): chrX-67545316-T-TGCAGCAGCAGCAGCAGCA. GRCh37 (hg19) VCF-style: chrX-66765158-T-TGCAGCAGCAGCAGCAGCA.
Other names: c.222_239dup18 (NM_000044.3); c.-1613GCA[29] (NM_001011645.3); c.171GCA[29], p.Gln75_Gln80dup (NM_001348061.1, NM_001348063.1, NM_001348064.1).
Identifiers: ClinVar variation 1285161 (VCV001285161.7), dbSNP rs3032358, ClinGen allele CA877548123.
Genomic context (GRCh38, chrX:67,545,316, plus strand): 5'-CGGGCCCCAGGCACCCAGAGGCCGCGAGCGCAGCACCTCCCGGCGCCAGTTTGCTGCTGC[T>TGCAGCAGCAGCAGCAGCA]GCAGCAGCAGCAGCAGCAGCAGCAGCAGCAGCAGCAGCAGCAGCAGCAGCAGCAGCAGCA-3'

ClinVar aggregate classification (germline): Benign/Likely benign. Review status: criteria provided, multiple submitters, no conflicts (2 of 4 stars). 6 submissions from 6 submitters: Benign (1); Likely benign (2). 3 of the submissions do not count toward it. Last evaluated 2025-02-16.

Conditions:
AR-related disorder. Also called: AR-related condition.

Submissions (6):

Laboratory of Genetics, Children's Clinical University Hospital Latvia
Classification: Likely benign. Last evaluated: 2025-02-16. Review status: criteria provided, single submitter. Criteria: ACMG Guidelines, 2015. Collection method: clinical testing. Allele origin: germline. Affected: yes.

Blueprint Genetics
Classification: Likely benign. Last evaluated: 2024-11-28. Review status: criteria provided, single submitter. Criteria: ACMG Guidelines, 2015. Collection method: clinical testing. Allele origin: germline.

ARUP Laboratories, Molecular Genetics and Genomics, ARUP Laboratories
Classification: Benign. Last evaluated: 2023-11-01. Review status: criteria provided, single submitter. Criteria: ARUP Molecular Germline Variant Investigation Process 2024. Collection method: clinical testing. Allele origin: germline.

PreventionGenetics, part of Exact Sciences
Classification: Benign for AR-related condition. Last evaluated: 2021-01-05. Review status: no assertion criteria provided. Collection method: clinical testing. Allele origin: germline. Not counted in ClinVar's aggregate classification.
Comment: This variant is classified as benign based on ACMG/AMP sequence variant interpretation guidelines (Richards et al. 2015 PMID: 25741868, with internal and published modifications).

Clinical Genetics DNA and cytogenetics Diagnostics Lab, Erasmus MC, Erasmus Medical Center
Classification: Benign. Review status: no assertion criteria provided. Collection method: clinical testing. Allele origin: germline. Affected: yes. Study: VKGL Data-share Consensus. Not counted in ClinVar's aggregate classification.

Genome Diagnostics Laboratory, University Medical Center Utrecht
Classification: Benign. Review status: no assertion criteria provided. Collection method: clinical testing. Allele origin: germline. Affected: yes. Study: VKGL Data-share Consensus. Not counted in ClinVar's aggregate classification.